The following is an entry in ClinVar:

NM_001199107.2(TBC1D24):c.326G>A (p.Arg109His)

Gene: TBC1D24 (TBC1 domain family member 24; plus strand). Cytogenetic location: 16p13.3.
Variant type: single nucleotide variant.
Coding change: c.326G>A on transcript NM_001199107.2 (MANE Select); coding-DNA position 326, G replaced by A.
Protein change: p.Arg109His; replaces arginine 109 with histidine.
Molecular consequence: missense variant.
Genome position (GRCh38, 1-based): chr16:2,496,474, G>A. VCF-style: chr16-2496474-G-A. GRCh37 (hg19) VCF-style: chr16-2546475-G-A.
Other names: c.326G>A, p.Arg109His (NM_020705.3); c.326G>A (NM_001199107.1); short protein forms R109H.
Identifiers: ClinVar variation 807959 (VCV000807959.54), dbSNP rs746543920, ClinGen allele CA7843974.
Genomic context (GRCh38, chr16:2,496,474, plus strand): 5'-GCCTGCCGCTGCCCGAGTTCGTGGACAACACGCAGGTGCCCAGCTACTGCCTGAATGCAC[G>A]CGGCGAGGGGGCCGTGCGCAAGATCCTCCTGTGCCTGGCCAACCAGTTCCCCGACATCTC-3'
Protein context (NP_001186036.1, residues 99-119): TQVPSYCLNA[Arg109His]GEGAVRKILL

ClinVar aggregate classification (germline): Uncertain significance. Review status: criteria provided, multiple submitters, no conflicts (2 of 4 stars). 4 submissions from 4 submitters: Uncertain significance (4). Last evaluated 2025-07-06.

Conditions:
Developmental and epileptic encephalopathy, 1 (DEE1). Also called: INFANTILE SPASM SYNDROME, X-LINKED 1; X-linked infantile spasms; West's syndrome; Tonic spasms with clustering, arrest of psychomotor development and hypsarrhythmia on EEG; X-Linked Infantile Spasm Syndrome; OHTAHARA SYNDROME, X-LINKED. Identifiers: MedGen C3463992, MONDO:0010632, OMIM 308350. Disease mechanism: loss of function.
Autosomal dominant nonsyndromic hearing loss 65. Also called: TBC1D24-Related Autosomal Dominant Nonsyndromic Hearing Loss (DFNA); Deafness, autosomal dominant 65. Identifiers: Orphanet 90635, MedGen C3892048, MONDO:0014470, OMIM 616044.
Familial infantile myoclonic epilepsy (FIME). Also called: Epilepsy, Myoclonic, Infantile; TBC1D24-Related Familial Infantile Myoclonic Epilepsy (FIME). Identifiers: Orphanet 352582, MedGen C0917800, MONDO:0011506, OMIM 605021.

Allele frequency attached by ClinVar (database versions not stated): gnomAD 0.00001; ExAC 0.00002; TOPMed 0.00002.
gnomAD v4.1: 11 of 1,610,990 alleles (0.00068%); highest among the groups gnomAD compares: Non-Finnish European, 0.00085%; no homozygotes.

Submissions (4):

GeneDx
Classification: Uncertain significance. Last evaluated: 2025-07-06. Review status: criteria provided, single submitter. Criteria: GeneDx Variant Classification Process June 2021. Collection method: clinical testing. Allele origin: germline. Affected: yes.
Comment: Not observed at significant frequency in large population cohorts (gnomAD); In silico analysis suggests that this missense variant does not alter protein structure/function; Has not been previously published as pathogenic or benign to our knowledge

Labcorp Genetics (formerly Invitae), Labcorp
Classification: Uncertain significance for Developmental and epileptic encephalopathy, 1; Autosomal dominant nonsyndromic hearing loss 65. Last evaluated: 2024-10-23. Review status: criteria provided, single submitter. Criteria: Invitae Variant Classification Sherloc (09022015). Collection method: clinical testing. Allele origin: germline.
Comment: This sequence change replaces arginine, which is basic and polar, with histidine, which is basic and polar, at codon 109 of the TBC1D24 protein (p.Arg109His). This variant is present in population databases (rs746543920, gnomAD 0.003%). This variant has not been reported in the literature in individuals affected with TBC1D24-related conditions. ClinVar contains an entry for this variant (Variation ID: 807959). Invitae Evidence Modeling of protein sequence and biophysical properties (such as structural, functional, and spatial information, amino acid conservation, physicochemical variation, residue mobility, and thermodynamic stability) indicates that this missense variant is not expected to disrupt TBC1D24 protein function with a negative predictive value of 80%. In summary, the available evidence is currently insufficient to determine the role of this variant in disease. Therefore, it has been classified as a Variant of Uncertain Significance.

CeGaT Center for Human Genetics Tuebingen
Classification: Uncertain significance. Last evaluated: 2020-12-01. Review status: criteria provided, single submitter. Criteria: CeGaT Center For Human Genetics Tuebingen Variant Classification Criteria Version 2. Collection method: clinical testing. Allele origin: germline. Affected: yes. Observed: 2 variant alleles.

Illumina Laboratory Services, Illumina
Classification: Uncertain significance for Familial infantile myoclonic epilepsy. Last evaluated: 2018-01-13. Review status: criteria provided, single submitter. Criteria: ICSL Variant Classification Criteria 13 December 2019. Collection method: clinical testing. Allele origin: germline.